The following is an entry in ClinVar:

ClinVar aggregate classification (germline): Uncertain significance (1 of 4 stars; one submission).

Conditions:
KMT2D-related disorder. Also called: KMT2D-Related Disorders.

gnomAD v4.1: 4 of 1,613,664 alleles (0.00025%); highest among the groups gnomAD compares: East Asian, 0.0022%; no homozygotes.

Submission:

PreventionGenetics, part of Exact Sciences
Classification: Uncertain significance for KMT2D-related condition. Last evaluated: 2025-01-31. Review status: criteria provided, single submitter. Criteria: ACMG Guidelines, 2015. Collection method: clinical testing. Allele origin: germline.
Comment: The KMT2D c.3704G>A variant is predicted to result in the amino acid substitution p.Gly1235Asp. To our knowledge, this variant has not been reported in the literature. This variant is reported in 0.0051% of alleles in individuals of East Asian descent in gnomAD. At this time, the clinical significance of this variant is uncertain due to the absence of conclusive functional and genetic evidence.

NM_003482.4(KMT2D):c.3704G>A (p.Gly1235Asp)

Genes: KMT2D (lysine methyltransferase 2D; minus strand), LOC126861520 (CDK7 strongly-dependent group 2 enhancer GRCh37_chr12:49442744-49443943; plus strand). Cytogenetic location: 12q13.12.
Variant type: single nucleotide variant.
Coding change: c.3704G>A on transcript NM_003482.4 (MANE Select); coding-DNA position 3704, G replaced by A.
Protein change: p.Gly1235Asp; replaces glycine 1235 with aspartic acid.
Molecular consequence: missense variant.
Genome position (GRCh38, 1-based): chr12:49,049,884, C>T on the plus strand (G>A on the coding strand, the complement: KMT2D is on the minus strand). VCF-style: chr12-49049884-C-T. GRCh37 (hg19) VCF-style: chr12-49443667-C-T.
Other names: short protein forms G1235D.
Identifiers: ClinVar variation 4999382 (VCV004999382.1).